The following is an entry in ClinVar:

ClinVar aggregate classification (germline): Uncertain significance (1 of 4 stars; one submission).

Conditions:
ADCY3-related disorder. Also called: ADCY3-related condition.

gnomAD v4.1: 2 of 1,613,468 alleles (0.00012%); highest among the groups gnomAD compares: Non-Finnish European, 0.00017%; no homozygotes.

Submission:

PreventionGenetics, part of Exact Sciences
Classification: Uncertain significance for ADCY3-related condition. Last evaluated: 2025-06-23. Review status: criteria provided, single submitter. Criteria: ACMG Guidelines, 2015. Collection method: clinical testing. Allele origin: germline.
Comment: The ADCY3 c.1025A>G variant is predicted to result in the amino acid substitution p.Lys342Arg. To our knowledge, this variant has not been reported in the literature. This variant is reported in 0.0016% of alleles in individuals of European (Non-Finnish) descent in gnomAD. At this time, the clinical significance of this variant is uncertain due to the absence of conclusive functional and genetic evidence.

NM_004036.5(ADCY3):c.1025A>G (p.Lys342Arg)

Gene: ADCY3 (adenylate cyclase 3; minus strand). Cytogenetic location: 2p23.3.
Variant type: single nucleotide variant.
Coding change: c.1025A>G on transcript NM_004036.5 (MANE Select); coding-DNA position 1025, A replaced by G.
Protein change: p.Lys342Arg; replaces lysine 342 with arginine.
Molecular consequence: missense variant.
Genome position (GRCh38, 1-based): chr2:24,841,599, T>C on the plus strand (A>G on the coding strand, the complement: ADCY3 is on the minus strand). VCF-style: chr2-24841599-T-C. GRCh37 (hg19) VCF-style: chr2-25064468-T-C.
Other names: c.1025A>G, p.Lys342Arg (NM_001320613.2, NM_001377128.1, NM_001377129.1 and 2 more transcripts); c.302A>G, p.Lys101Arg (NM_001377131.1); short protein forms K342R, K101R.
Identifiers: ClinVar variation 4997746 (VCV004997746.1).
Genomic context (GRCh38, chr2:24,841,599, plus strand): 5'-CGGGGCCAGGGACTTACAGCTGCCAGCTTGTCAAAGCGGGCAAAGAGCTCGTTGAGCAGC[T>C]TCACAAGCTCCTGGGCACTGCAGGCAGAAGACAGCTGGGTAAAGCCCACGATGTCGGCAA-3'
Protein context (NP_004027.2, residues 332-352): SSACSAQELV[Lys342Arg]LLNELFARFD